The following is an entry in ClinVar:

NM_144563.3(RPIA):c.585C>T (p.Ile195=)

Gene: RPIA (ribose 5-phosphate isomerase A; plus strand). Cytogenetic location: 2p11.2.
Variant type: single nucleotide variant.
Coding change: c.585C>T on transcript NM_144563.3 (MANE Select); coding-DNA position 585, C replaced by T.
Protein change: p.Ile195=; no amino-acid change (isoleucine 195 retained).
Molecular consequence: synonymous variant.
Genome position (GRCh38, 1-based): chr2:88,735,726, C>T. VCF-style: chr2-88735726-C-T. GRCh37 (hg19) VCF-style: chr2-89035243-C-T.
Identifiers: ClinVar variation 2651110 (VCV002651110.24), dbSNP rs772173029, ClinGen allele CA1755269.

ClinVar aggregate classification (germline): Likely benign (1 of 4 stars; one submission).

Allele frequency attached by ClinVar (database versions not stated): ExAC 0.00002; TOPMed 0.00002; gnomAD 0.00005.
gnomAD v4.1: 37 of 1,613,848 alleles (0.0023%); highest among the groups gnomAD compares: African/African-American, 0.0067%; no homozygotes.

Submission:

CeGaT Center for Human Genetics Tuebingen
Classification: Likely benign. Last evaluated: 2022-12-01. Review status: criteria provided, single submitter. Criteria: CeGaT Center For Human Genetics Tuebingen Variant Classification Criteria Version 2. Collection method: clinical testing. Allele origin: germline. Affected: yes. Observed: 1 variant allele.
Comment: RPIA: BP4, BP7